The following is an entry in ClinVar:

ClinVar aggregate classification (germline): Conflicting classifications of pathogenicity. Review status: criteria provided, conflicting classifications (1 of 4 stars). 3 submissions from 3 submitters: Pathogenic (1); Likely pathogenic (1); Uncertain significance (1). Last evaluated 2025-06-15.

Conditions:
Irido-corneo-trabecular dysgenesis (ASGD5). Also called: ANTERIOR SEGMENT DYSGENESIS 5. Identifiers: Orphanet 708, MedGen C0344559, MONDO:0011414, OMIM 604229, HP:0000659.
Aniridia 1 (AN1). Identifiers: Orphanet 250923, MedGen C0344542, MONDO:0024507, OMIM 106210.

Submissions (3):

Labcorp Genetics (formerly Invitae), Labcorp
Classification: Uncertain significance for Aniridia 1; Irido-corneo-trabecular dysgenesis. Last evaluated: 2025-06-15. Review status: criteria provided, single submitter. Criteria: Invitae Variant Classification Sherloc (09022015). Collection method: clinical testing. Allele origin: germline.
Comment: This sequence change replaces glutamine, which is neutral and polar, with histidine, which is basic and polar, at codon 47 of the PAX6 protein (p.Gln47His). This variant also falls at the last nucleotide of exon 5, which is part of the consensus splice site for this exon. This variant is not present in population databases (gnomAD no frequency). This variant has not been reported in the literature in individuals affected with PAX6-related conditions. ClinVar contains an entry for this variant (Variation ID: 1513703). An algorithm developed to predict the effect of missense changes on protein structure and function (PolyPhen-2) suggests that this variant is likely to be disruptive. Variants that disrupt the consensus splice site are a relatively common cause of aberrant splicing (PMID: 17576681, 9536098). Algorithms developed to predict the effect of sequence changes on RNA splicing suggest that this variant may disrupt the consensus splice site. In summary, the available evidence is currently insufficient to determine the role of this variant in disease. Therefore, it has been classified as a Variant of Uncertain Significance.

Institute of Human Genetics, University of Leipzig Medical Center
Classification: Pathogenic for Aniridia 1. Last evaluated: 2023-03-29. Review status: criteria provided, single submitter. Criteria: ACMG Guidelines, 2015. Collection method: clinical testing. Allele origin: unknown. Affected: yes.
Comment: _x000D_ Criteria applied: PM5_STR, PS4_MOD, PM1, PM2_SUP, PP3, PP4

Victorian Clinical Genetics Services, Murdoch Childrens Research Institute
Classification: Likely pathogenic for Aniridia 1. Last evaluated: 2021-05-06. Review status: criteria provided, single submitter. Criteria: ACMG Guidelines, 2015. Collection method: clinical testing. Allele origin: germline. Inheritance: Autosomal dominant inheritance. Affected: yes.
Comment: Based on the classification scheme VCGS_Germline_v1.3.4, this variant is classified as Likely Pathogenic. Following criteria are met: 0102 - Loss of function is a known mechanism of disease in this gene and is associated with aniridia (MIM#106210). (I) 0107 - This gene is associated with autosomal dominant disease. (I) 0200 - Variant is predicted to result in a missense amino acid change from glutamine to histidine. However, it is also located in the splice donor region. (I) 0251 - This variant is heterozygous. (I) 0301 - Variant is absent from gnomAD (both v2 and v3). (SP) 0501 - Missense variant consistently predicted to be damaging by multiple in silico tools or highly conserved with a major amino acid change. Abnormal splicing is also predicted by in silico tools and the affected nucleotide is highly conserved. (SP) 0600 - Variant is located in the annotated PAX domain (DECIPHER, NCBI). (I) 0704 - Other variants comparable to the one identified in this case have limited previous evidence for pathogenicity. A number of different splice variants in the donor region have previously been reported as pathogenic in individuals with aniridia (MIM#106210), including a synonymous variant at the same nucleotide (NM_000280.3:c.141G>A; p.(Gln47Gln)), and a de novo missense at the same residue but adjacent nucleotide (NM_000280.3:c.140A>G; p.(Gln47Arg)) which was shown to result in exon 5 skipping (ClinVar, PMID: 25678763, PMID: 30315214). (SP) 0807 - This variant has no previous evidence of pathogenicity. (I) 0905 - No published segregation evidence has been identified for this variant. (I) 1007 - No published functional evidence has been identified for this variant. (I) 1102 - Strong phenotype match for this individual. (SP) Legend: (SP) - Supporting pathogenic, (I) - Information, (SB) - Supporting benign

Literature cited by the submitters: PubMed 17576681 (cited by Labcorp Genetics (formerly Invitae), Labcorp); PubMed 9536098 (cited by Labcorp Genetics (formerly Invitae), Labcorp); PubMed 25678763 (cited by Victorian Clinical Genetics Services, Murdoch Childrens Research Institute); PubMed 30315214 (cited by Victorian Clinical Genetics Services, Murdoch Childrens Research Institute).

NM_001368894.2(PAX6):c.141G>T (p.Gln47His)

Gene: PAX6 (paired box 6; minus strand). Cytogenetic location: 11p13.
Variant type: single nucleotide variant.
Coding change: c.141G>T on transcript NM_001368894.2 (MANE Select); coding-DNA position 141, G replaced by T.
Protein change: p.Gln47His; replaces glutamine 47 with histidine.
Molecular consequence: missense variant. On other transcripts: 5 prime UTR variant (12), non-coding transcript variant (2), intron variant (2).
Genome position (GRCh38, 1-based): chr11:31,802,704, C>A on the plus strand (G>T on the coding strand, the complement: PAX6 is on the minus strand). VCF-style: chr11-31802704-C-A. GRCh37 (hg19) VCF-style: chr11-31824252-C-A.
Other names: c.141G>T, p.Gln47His (NM_000280.6, NM_001127612.3, NM_001258462.3 and 30 more transcripts); c.-641G>T (NM_001310160.2, NM_001368905.2); c.-310G>T (NM_001310161.3, NM_001368900.2, NM_001368903.2 and 2 more transcripts); c.-268G>T (NM_001368899.2, NM_001368901.2, NM_001368906.2 and 1 more transcripts); c.-599G>T (NM_001368902.2); c.384G>T, p.Gln128His (NM_001368910.2); c.144G>T, p.Gln48His (NM_001368911.2); c.-267-928G>T (NM_001368909.2, NM_001368904.2); short protein forms Q47H, Q128H, Q48H.
Identifiers: ClinVar variation 1513703 (VCV001513703.10), dbSNP rs2135147324, ClinGen allele CA379959458.